The following is an entry in ClinVar:

NM_020884.7(MYH7B):c.5581-7C>T

Gene: MYH7B (myosin heavy chain 7B; plus strand). Cytogenetic location: 20q11.22.
Variant type: single nucleotide variant.
Coding change: c.5581-7C>T on transcript NM_020884.7 (MANE Select); 7 bases into the intron before coding-DNA position 5581, C replaced by T.
Molecular consequence: intron variant.
Genome position (GRCh38, 1-based): chr20:35,001,424, C>T. VCF-style: chr20-35001424-C-T. GRCh37 (hg19) VCF-style: chr20-33589227-C-T.
Identifiers: ClinVar variation 3042866 (VCV003042866.22), dbSNP rs781227326, ClinGen allele CA9828651.

ClinVar aggregate classification (germline): Likely benign. Review status: criteria provided, multiple submitters, no conflicts (2 of 4 stars). 4 submissions from 4 submitters: Likely benign (3). 1 of the submissions does not count toward it. Last evaluated 2025-05-27.

Conditions:
MYH7B-related disorder. Also called: MYH7B-related condition.

gnomAD v4.1: 42 of 1,595,852 alleles (0.0026%); highest among the groups gnomAD compares: Middle Eastern, 0.033%; no homozygotes.

Submissions (4):

Labcorp Genetics (formerly Invitae), Labcorp
Classification: Likely benign. Last evaluated: 2025-05-27. Review status: criteria provided, single submitter. Criteria: Invitae Variant Classification Sherloc (09022015). Collection method: clinical testing. Allele origin: germline.

CeGaT Center for Human Genetics Tuebingen
Classification: Likely benign. Last evaluated: 2024-05-01. Review status: criteria provided, single submitter. Criteria: CeGaT Center For Human Genetics Tuebingen Variant Classification Criteria Version 2. Collection method: clinical testing. Allele origin: germline. Affected: yes. Observed: 1 variant allele.
Comment: MYH7B: BP4

Breakthrough Genomics
Classification: Likely benign. Review status: criteria provided, single submitter. Criteria: ACMG Guidelines, 2015. Collection method: not provided. Allele origin: germline. Inheritance: Unknown mechanism. Affected: yes.

PreventionGenetics, part of Exact Sciences
Classification: Likely benign for MYH7B-related condition. Last evaluated: 2019-06-19. Review status: no assertion criteria provided. Collection method: clinical testing. Allele origin: germline. Not counted in ClinVar's aggregate classification.
Comment: This variant is classified as likely benign based on ACMG/AMP sequence variant interpretation guidelines (Richards et al. 2015 PMID: 25741868, with internal and published modifications).